The following is an entry in ClinVar:

ClinVar aggregate classification (germline): Uncertain significance. Review status: criteria provided, multiple submitters, no conflicts (2 of 4 stars). 3 submissions from 3 submitters: Uncertain significance (3). Last evaluated 2023-11-02.

Conditions:
Hereditary cancer-predisposing syndrome. Also called: Tumor predisposition; Neoplastic Syndromes, Hereditary; Hereditary Cancer Syndrome; Hereditary neoplastic syndrome. Identifiers: Orphanet 140162, MedGen C0027672, MeSH D009386, MONDO:0015356.
Microcephaly, normal intelligence and immunodeficiency (NBS). Also called: BERLIN BREAKAGE SYNDROME; Ataxia telangiectasia variant V1; IMMUNODEFICIENCY, MICROCEPHALY, AND CHROMOSOMAL INSTABILITY; SEEMANOVA SYNDROME II; Immunodeficiency, microcephaly with normal intelligence; Nijmegen breakage syndrome. Identifiers: Orphanet 647, MedGen C0398791, MONDO:0009623, OMIM 251260.

Allele frequency attached by ClinVar (database versions not stated): gnomAD 0.00001; TOPMed 0.00001.
gnomAD v4.1: 1 of 1,612,370 alleles (0.000062%); no homozygotes.

Submissions (3):

Labcorp Genetics (formerly Invitae), Labcorp
Classification: Uncertain significance for Microcephaly, normal intelligence and immunodeficiency. Last evaluated: 2023-11-02. Review status: criteria provided, single submitter. Criteria: Invitae Variant Classification Sherloc (09022015). Collection method: clinical testing. Allele origin: germline.
Comment: This sequence change replaces histidine, which is basic and polar, with aspartic acid, which is acidic and polar, at codon 733 of the NBN protein (p.His733Asp). This variant is present in population databases (no rsID available, gnomAD 0.3%). This variant has not been reported in the literature in individuals affected with NBN-related conditions. ClinVar contains an entry for this variant (Variation ID: 627828). An algorithm developed to predict the effect of missense changes on protein structure and function (PolyPhen-2) suggests that this variant is likely to be disruptive. In summary, the available evidence is currently insufficient to determine the role of this variant in disease. Therefore, it has been classified as a Variant of Uncertain Significance.

Genome-Nilou Lab
Classification: Uncertain significance for Microcephaly, normal intelligence and immunodeficiency. Last evaluated: 2021-11-07. Review status: criteria provided, single submitter. Criteria: ACMG Guidelines, 2015. Collection method: clinical testing. Allele origin: germline. Affected: no.

Ambry Genetics
Classification: Uncertain significance for Hereditary cancer-predisposing syndrome. Last evaluated: 2020-07-14. Review status: criteria provided, single submitter. Criteria: Ambry Variant Classification Scheme 2023. Collection method: clinical testing. Allele origin: germline.
Comment: The p.H733D variant (also known as c.2197C>G), located in coding exon 15 of the NBN gene, results from a C to G substitution at nucleotide position 2197. The histidine at codon 733 is replaced by aspartic acid, an amino acid with similar properties. This amino acid position is not well conserved in available vertebrate species. In addition, this alteration is predicted to be tolerated by in silico analysis. Since supporting evidence is limited at this time, the clinical significance of this alteration remains unclear.

NM_002485.5(NBN):c.2197C>G (p.His733Asp)

Gene: NBN (nibrin; minus strand). Cytogenetic location: 8q21.3.
Variant type: single nucleotide variant.
Coding change: c.2197C>G on transcript NM_002485.5 (MANE Select); coding-DNA position 2197, C replaced by G.
Protein change: p.His733Asp; replaces histidine 733 with aspartic acid.
Molecular consequence: missense variant.
Genome position (GRCh38, 1-based): chr8:89,937,063, G>C on the plus strand (C>G on the coding strand, the complement: NBN is on the minus strand). VCF-style: chr8-89937063-G-C. GRCh37 (hg19) VCF-style: chr8-90949291-G-C.
Other names: c.1951C>G, p.His651Asp (NM_001024688.3); short protein forms H733D, H651D.
Identifiers: ClinVar variation 627828 (VCV000627828.19), dbSNP rs1311278427, ClinGen allele CA371674815.